The following is an entry in ClinVar:

NM_007194.4(CHEK2):c.1060T>G (p.Leu354Val)

Gene: CHEK2 (checkpoint kinase 2; minus strand). Cytogenetic location: 22q12.1.
Variant type: single nucleotide variant.
Coding change: c.1060T>G on transcript NM_007194.4 (MANE Select); coding-DNA position 1060, T replaced by G.
Protein change: p.Leu354Val; replaces leucine 354 with valine.
Molecular consequence: missense variant. On other transcripts: intron variant (3).
Genome position (GRCh38, 1-based): chr22:28,696,936, A>C on the plus strand (T>G on the coding strand, the complement: CHEK2 is on the minus strand). VCF-style: chr22-28696936-A-C. GRCh37 (hg19) VCF-style: chr22-29092924-A-C.
Other names: c.1189T>G, p.Leu397Val (NM_001005735.3); c.397T>G, p.Leu133Val (NM_001257387.3, NM_001437942.1); c.859T>G, p.Leu287Val (NM_001349956.3); c.1153T>G, p.Leu385Val (NM_001438293.1); c.1009-1063T>G (NM_145862.3); c.1102-1063T>G (NM_001438295.1); c.1138-1063T>G (NM_001438294.1); short protein forms L354V, L133V, L287V, L397V, L385V.
Identifiers: ClinVar variation 491588 (VCV000491588.5), dbSNP rs1555914287, ClinGen allele CA411097608.

ClinVar aggregate classification (germline): Uncertain significance. Review status: criteria provided, multiple submitters, no conflicts (2 of 4 stars). 2 submissions from 2 submitters: Uncertain significance (2). Last evaluated 2024-06-25.

Conditions:
Hereditary cancer-predisposing syndrome. Also called: Hereditary neoplastic syndrome; Tumor predisposition; Hereditary Cancer Syndrome; Neoplastic Syndromes, Hereditary. Identifiers: Orphanet 140162, MedGen C0027672, MeSH D009386, MONDO:0015356.

Submissions (2):

Ambry Genetics
Classification: Uncertain significance for Hereditary cancer-predisposing syndrome. Last evaluated: 2024-06-25. Review status: criteria provided, single submitter. Criteria: Ambry Variant Classification Scheme 2023. Collection method: clinical testing. Allele origin: germline.
Comment: The p.L354V variant (also known as c.1060T>G), located in coding exon 9 of the CHEK2 gene, results from a T to G substitution at nucleotide position 1060. The leucine at codon 354 is replaced by valine, an amino acid with highly similar properties. This amino acid position is conserved. In addition, this alteration is predicted to be deleterious by in silico analysis. Based on the available evidence, the clinical significance of this variant remains unclear.

Color Diagnostics, LLC DBA Color Health
Classification: Uncertain significance for Hereditary cancer-predisposing syndrome. Last evaluated: 2018-11-22. Review status: criteria provided, single submitter. Criteria: ACMG Guidelines, 2015. Collection method: clinical testing. Allele origin: germline.